The following is an entry in ClinVar:

ClinVar aggregate classification (germline): Likely pathogenic (0 of 4 stars; one submission).

Conditions:
Hematuria. Identifiers: MedGen C0018965, HP:0000790.

Submission:

Sydney Genome Diagnostics, Children's Hospital Westmead
Classification: Likely pathogenic for Hematuria. Last evaluated: 2019-05-17. Review status: no assertion criteria provided. Collection method: clinical testing. Allele origin: unknown. Affected: yes. Observed: 1 variant allele, 1 heterozygote.
Comment: This frameshifting variant is predicted to create a premature stop codon p.(Gly1198Alafs*54) and may result in a null allele due to nonsense-mediated mRNA decay. The variant has not been reported in any population databases (i.e. gnomAD, ExAC, ESP or dbSNP). To our knowledge, this variant has not been previously reported in the literature or any disease specific databases. However, other truncating variants downstream of this amino acid have been described in ClinVar. This variant is considered to be likely pathogenic according to the ACMG guidelines (Evidence used: PVS1, PM2).

NM_000092.5(COL4A4):c.3593_3594del (p.Gly1198fs)

Gene: COL4A4 (collagen type IV alpha 4 chain; minus strand). Cytogenetic location: 2q36.3.
Variant type: Deletion.
Coding change: c.3593_3594del on transcript NM_000092.5 (MANE Select); coding-DNA positions 3593 to 3594, 2 bases deleted (GG; older notation c.3593_3594delGG).
Protein change: p.Gly1198fs; shifts the reading frame from glycine 1198.
Molecular consequence: frameshift variant.
Genome position (GRCh38, 1-based): chr2:227,032,260-227,032,261, CC deleted on the plus strand (GG on the coding strand, the reverse complement: COL4A4 is on the minus strand); deleting any 2 consecutive bases within chr2:227,032,260-227,032,263 gives the same sequence; the c. name uses the placement nearest the transcript's 3' end. VCF-style (leftmost placement, unchanged base first): chr2-227032259-GCC-G. GRCh37 (hg19) VCF-style: chr2-227896975-GCC-G.
Other names: short protein forms G1198fs.
Identifiers: ClinVar variation 988150 (VCV000988150.1), dbSNP rs1968590611, ClinGen allele CA1332734860.